The following is an entry in ClinVar:

ClinVar aggregate classification (germline): Uncertain significance. Review status: criteria provided, multiple submitters, no conflicts (2 of 4 stars). 4 submissions from 4 submitters: Uncertain significance (4). Last evaluated 2026-01-05.

Conditions:
PEX5-related disorder. Also called: PEX5-Related Disorders; PEX5-related condition.
Inborn genetic diseases. Identifiers: MedGen C0950123, MeSH D030342.
Peroxisome biogenesis disorder 2B (PBD2B). Identifiers: Orphanet 44, MedGen C3550234, MONDO:0008736, OMIM 202370.

Allele frequency attached by ClinVar (database versions not stated): gnomAD exomes 0.00001 and 0.00002; ExAC 0.00002; TOPMed 0.00002.
gnomAD v4.1: 7 of 1,614,152 alleles (0.00043%); highest among the groups gnomAD compares: Admixed American, 0.012%; no homozygotes.

Submissions (4):

PreventionGenetics, part of Exact Sciences
Classification: Uncertain significance for PEX5-related condition. Last evaluated: 2026-01-05. Review status: criteria provided, single submitter. Criteria: ACMG Guidelines, 2015. Collection method: clinical testing. Allele origin: germline.
Comment: The PEX5 c.1211C>T variant is predicted to result in the amino acid substitution p.Thr404Ile. To our knowledge, this variant has not been reported in the literature. This variant is reported in 0.014% of alleles in individuals of Latino descent in gnomAD. At this time, the clinical significance of this variant is uncertain due to the absence of conclusive functional and genetic evidence.

Ambry Genetics
Classification: Uncertain significance for Inborn genetic diseases. Last evaluated: 2022-08-26. Review status: criteria provided, single submitter. Criteria: Ambry Variant Classification Scheme 2023. Collection method: clinical testing. Allele origin: germline.

Labcorp Genetics (formerly Invitae), Labcorp
Classification: Uncertain significance for Peroxisome biogenesis disorder 2B. Last evaluated: 2022-08-22. Review status: criteria provided, single submitter. Criteria: Invitae Variant Classification Sherloc (09022015). Collection method: clinical testing. Allele origin: germline.
Comment: This sequence change replaces threonine, which is neutral and polar, with isoleucine, which is neutral and non-polar, at codon 404 of the PEX5 protein (p.Thr404Ile). This variant is present in population databases (rs751774861, gnomAD 0.01%). This variant has not been reported in the literature in individuals affected with PEX5-related conditions. ClinVar contains an entry for this variant (Variation ID: 1468397). Algorithms developed to predict the effect of missense changes on protein structure and function (SIFT, PolyPhen-2, Align-GVGD) all suggest that this variant is likely to be tolerated. In summary, the available evidence is currently insufficient to determine the role of this variant in disease. Therefore, it has been classified as a Variant of Uncertain Significance.

Mayo Clinic Laboratories, Mayo Clinic
Classification: Uncertain significance. Last evaluated: 2022-05-19. Review status: criteria provided, single submitter. Criteria: ACMG Guidelines, 2015. Collection method: clinical testing. Allele origin: germline. Observed: 1 variant allele.
Comment: PM2

NM_001351132.2(PEX5):c.1211C>T (p.Thr404Ile)

Gene: PEX5 (peroxisomal biogenesis factor 5; plus strand). Cytogenetic location: 12p13.31.
Variant type: single nucleotide variant.
Coding change: c.1211C>T on transcript NM_001351132.2 (MANE Select); coding-DNA position 1211, C replaced by T.
Protein change: p.Thr404Ile; replaces threonine 404 with isoleucine.
Molecular consequence: missense variant.
Genome position (GRCh38, 1-based): chr12:7,208,486, C>T. VCF-style: chr12-7208486-C-T. GRCh37 (hg19) VCF-style: chr12-7361082-C-T.
Other names: p.Thr419Ile; c.1211C>T (NM_001131025.1); c.1187C>T, p.Thr396Ile (NM_000319.5); c.1256C>T, p.Thr419Ile (NM_001131023.2); c.1100C>T, p.Thr367Ile (NM_001131024.2, NM_001351124.3, NM_001351126.2 and 7 more transcripts); c.1211C>T, p.Thr404Ile (NM_001131025.2, NM_001131026.2, NM_001300789.3 and 4 more transcripts); c.1145C>T, p.Thr382Ile (NM_001351135.3, NM_001351138.2); c.1202C>T, p.Thr401Ile (NM_001351136.2); and 2 more; short protein forms T367I, T359I, T382I, T396I, T401I, T404I, T419I.
Identifiers: ClinVar variation 1468397 (VCV001468397.6), dbSNP rs751774861, ClinGen allele CA6426405.